The following is an entry in ClinVar:

ClinVar aggregate classification (germline): Uncertain significance (1 of 4 stars; one submission).

Allele frequency attached by ClinVar (database versions not stated): TOPMed below 0.00001; gnomAD 0.00001; gnomAD exomes 0.00001; 1000 Genomes Project 30x 0.00016; 1000 Genomes Project 0.00020.
gnomAD v4.1: 12 of 1,264,448 alleles (0.00095%); highest among the groups gnomAD compares: African/African-American, 0.003%; no homozygotes.

Submission:

Labcorp Genetics (formerly Invitae), Labcorp
Classification: Uncertain significance. Last evaluated: 2023-08-27. Review status: criteria provided, single submitter. Criteria: Invitae Variant Classification Sherloc (09022015). Collection method: clinical testing. Allele origin: germline.
Comment: This sequence change replaces leucine, which is neutral and non-polar, with proline, which is neutral and non-polar, at codon 16 of the SUCLG2 protein (p.Leu16Pro). This variant is not present in population databases (gnomAD no frequency). This variant has not been reported in the literature in individuals affected with SUCLG2-related conditions. An algorithm developed to predict the effect of missense changes on protein structure and function (PolyPhen-2) suggests that this variant is likely to be tolerated. In summary, the available evidence is currently insufficient to determine the role of this variant in disease. Therefore, it has been classified as a Variant of Uncertain Significance.

NM_003848.4(SUCLG2):c.47T>C (p.Leu16Pro)

Gene: SUCLG2 (succinate-CoA ligase GDP-forming subunit beta; minus strand). Cytogenetic location: 3p14.1.
Variant type: single nucleotide variant.
Coding change: c.47T>C on transcript NM_003848.4 (MANE Select); coding-DNA position 47, T replaced by C.
Protein change: p.Leu16Pro; replaces leucine 16 with proline.
Molecular consequence: missense variant.
Genome position (GRCh38, 1-based): chr3:67,654,540, A>G on the plus strand (T>C on the coding strand, the complement: SUCLG2 is on the minus strand). VCF-style: chr3-67654540-A-G. GRCh37 (hg19) VCF-style: chr3-67704964-A-G.
Other names: c.47T>C, p.Leu16Pro (NM_001177599.2); short protein forms L16P.
Identifiers: ClinVar variation 2787705 (VCV002787705.3), dbSNP rs564886614, ClinGen allele CA2486165.
Genomic context (GRCh38, chr3:67,654,540, plus strand): 5'-GCAGCTCCTGCCCCCACGCTCACCTGGGACCCGGCCGCCAGGAAGCGGGGCCGCAGCGCT[A>G]GGGCTCGCAGAAGCTTCCCGGCCTGCGCTGCTACGGGGGACGCCATCTTAAACAGGAAAC-3'
Protein context (NP_003839.2, residues 6-26): AAQAGKLLRA[Leu16Pro]ALRPRFLAAG